The following is an entry in ClinVar:

ClinVar aggregate classification (germline): Likely pathogenic (1 of 4 stars; one submission).

Conditions:
Severe myoclonic epilepsy in infancy (DRVT). Also called: Dravet syndrome; Epileptic encephalopathy, early infantile, 6 (Dravet syndrome); Severe Myoclonic Epilepsy in Infancy (SMEI); SEVERE MYOCLONIC EPILEPSY OF INFANCY; DEVELOPMENTAL AND EPILEPTIC ENCEPHALOPATHY 6A. Identifiers: Orphanet 33069, MedGen C0751122, MONDO:0100135, OMIM 607208.

Submission:

Unidad de Genómica Garrahan, Hospital de Pediatría Garrahan
Classification: Likely pathogenic for Severe myoclonic epilepsy in infancy. Last evaluated: 2024-01-01. Review status: criteria provided, single submitter. Criteria: ACMG Guidelines, 2015. Collection method: clinical testing. Allele origin: germline. Affected: yes. Observed: 1 variant allele.
Comment: Heterozygous splicing variant affecting the acceptor site of the exon 6, predicted to result in a null variant, in a gene where loss of function is a known mechanism of disease (PVS1). The variant has extremely low frequency in gnomAD population database (PM2mod). Additionaly, one patient with Dravet Syndrome and the same variant has already been published (PMID:33681658) (PP4mod).

NM_001165963.4(SCN1A):c.384-2A>G

Gene: SCN1A (sodium voltage-gated channel alpha subunit 1; minus strand). Cytogenetic location: 2q24.3.
Variant type: single nucleotide variant.
Coding change: c.384-2A>G on transcript NM_001165963.4 (MANE Select); the canonical splice acceptor site of the intron before coding-DNA position 384, A replaced by G.
Molecular consequence: splice acceptor variant.
Genome position (GRCh38, 1-based): chr2:166,056,502, T>C on the plus strand (A>G on the coding strand, the complement: SCN1A is on the minus strand). VCF-style: chr2-166056502-T-C. GRCh37 (hg19) VCF-style: chr2-166913012-T-C.
Other names: c.384-2A>G (NM_001353949.2, NM_001353958.2, NM_001353950.2 and 10 more transcripts); c.-2042-2A>G (NM_001353961.2).
Identifiers: ClinVar variation 3255526 (VCV003255526.1).
Genomic context (GRCh38, chr2:166,056,502, plus strand): 5'-TCATTGTCATAAACACACAGTTTGTCAAAATAGTGCACATAATTAGCATGCTGAATAATG[T>C]AGGTTATTGTTAAGGAACACACAAAAGAAAATCAAAATCCAAGTGTTATATTACAAAAAG-3'